The following is an entry in ClinVar:

NM_001387283.1(SMARCA4):c.4266G>T (p.Lys1422Asn)

Gene: SMARCA4 (SWI/SNF related BAF chromatin remodeling complex subunit ATPase 4; plus strand). Cytogenetic location: 19p13.2.
Variant type: single nucleotide variant.
Coding change: c.4266G>T on transcript NM_001387283.1 (MANE Plus Clinical); coding-DNA position 4266, G replaced by T.
Protein change: p.Lys1422Asn; replaces lysine 1422 with asparagine.
Molecular consequence: missense variant. On other transcripts: intron variant (7).
Genome position (GRCh38, 1-based): chr19:11,039,553, G>T. VCF-style: chr19-11039553-G-T. GRCh37 (hg19) VCF-style: chr19-11150229-G-T.
Other names: c.4266G>T, p.Lys1422Asn (NM_001128849.3); c.4171-1754G>T (NM_001128844.3, NM_003072.5); c.4072-1754G>T (NM_001128847.4, NM_001374457.1, NM_001128848.2); c.4072-1745G>T (NM_001128845.2, NM_001128846.2); short protein forms K1422N.
Identifiers: ClinVar variation 1310323 (VCV001310323.4), dbSNP rs896036433, ClinGen allele CA404071943.

ClinVar aggregate classification (germline): Conflicting classifications of pathogenicity. Review status: criteria provided, conflicting classifications (1 of 4 stars). 2 submissions from 2 submitters: Uncertain significance (1); Likely benign (1). Last evaluated 2025-10-16.

Conditions:
Hereditary cancer-predisposing syndrome. Also called: Tumor predisposition; Neoplastic Syndromes, Hereditary; Hereditary Cancer Syndrome; Hereditary neoplastic syndrome. Identifiers: Orphanet 140162, MedGen C0027672, MeSH D009386, MONDO:0015356.

gnomAD v4.1: 1 of 1,589,200 alleles (0.000063%); highest among the groups gnomAD compares: Non-Finnish European, 0.000086%; no homozygotes.

Submissions (2):

Ambry Genetics
Classification: Likely benign for Hereditary cancer-predisposing syndrome. Last evaluated: 2025-10-16. Review status: criteria provided, single submitter. Criteria: Ambry Variant Classification Scheme 2023. Collection method: clinical testing. Allele origin: germline.

GeneDx
Classification: Uncertain significance. Last evaluated: 2025-09-09. Review status: criteria provided, single submitter. Criteria: GeneDx Variant Classification Process June 2021. Collection method: clinical testing. Allele origin: germline. Affected: yes.
Comment: Exons 27 and 30 are small, in-frame, and not expressed in functional isoforms of SMARCA4 (PMID: 18437052). Variants resulting in loss of exon 30 by deletion or canonical splice changes are seen in individuals without SMARCA4-related disease (internal data; external communication). We therefore consider exon 27 and exon 30 variants to have uncertain clinical significance.; In silico analysis suggests that this missense variant does not alter protein structure/function; Not observed at significant frequency in large population cohorts (gnomAD); Has not been previously published as pathogenic or benign to our knowledge; This variant is associated with the following publications: (PMID: 18437052)